The following is an entry in ClinVar:

ClinVar aggregate classification (germline): Uncertain significance (1 of 4 stars; one submission).

Conditions:
Ritscher-Schinzel syndrome. Also called: CRANIOCEREBELLOCARDIAC DYSPLASIA. Identifiers: Orphanet 7, MedGen C0796137, MONDO:0019078.
Hereditary spastic paraplegia 8 (SPG8). Also called: SPASTIC PARAPLEGIA 8, AUTOSOMAL DOMINANT. Identifiers: Orphanet 100989, MedGen C1863704, MONDO:0011339, OMIM 603563.

Submission:

Labcorp Genetics (formerly Invitae), Labcorp
Classification: Uncertain significance for Ritscher-Schinzel syndrome; Hereditary spastic paraplegia 8. Last evaluated: 2025-02-11. Review status: criteria provided, single submitter. Criteria: Invitae Variant Classification Sherloc (09022015). Collection method: clinical testing. Allele origin: germline.
Comment: This sequence change falls in intron 24 of the WASHC5 gene. It does not directly change the encoded amino acid sequence of the WASHC5 protein. It affects a nucleotide within the consensus splice site. This variant is present in population databases (no rsID available, gnomAD 0.004%). This variant has not been reported in the literature in individuals affected with WASHC5-related conditions. Variants that disrupt the consensus splice site are a relatively common cause of aberrant splicing (PMID: 17576681, 9536098). Algorithms developed to predict the effect of sequence changes on RNA splicing suggest that this variant may disrupt the consensus splice site. In summary, the available evidence is currently insufficient to determine the role of this variant in disease. Therefore, it has been classified as a Variant of Uncertain Significance.

Literature cited by the submitters: PubMed 17576681; PubMed 9536098.

NM_014846.4(WASHC5):c.2954+3_2954+6del

Gene: WASHC5 (WASH complex subunit 5; minus strand). Cytogenetic location: 8q24.13.
Variant type: Microsatellite.
Coding change: c.2954+3_2954+6del on transcript NM_014846.4 (MANE Select); bases 3 to 6 of the intron after coding-DNA position 2954, 4 bases deleted (AAGT; older notation c.2954+3_2954+6delAAGT).
Molecular consequence: splice donor variant.
Genome position (GRCh38, 1-based): chr8:125,039,789-125,039,792, ACTT deleted on the plus strand (AAGT on the coding strand, the reverse complement: WASHC5 is on the minus strand); deleting any 4 consecutive bases within chr8:125,039,789-125,039,797 gives the same sequence; the c. name uses the placement nearest the transcript's 3' end. VCF-style (leftmost placement, unchanged base first): chr8-125039788-CACTT-C. GRCh37 (hg19) VCF-style: chr8-126052030-CACTT-C.
Other names: c.2510+3_2510+6del (NM_001330609.2).
Identifiers: ClinVar variation 4794655 (VCV004794655.1).